The following is an entry in ClinVar:

NM_016616.5(NME8):c.17G>A (p.Arg6Gln)

Gene: NME8 (NME/NM23 family member 8; plus strand). Cytogenetic location: 7p14.1.
Variant type: single nucleotide variant.
Coding change: c.17G>A on transcript NM_016616.5 (MANE Select); coding-DNA position 17, G replaced by A.
Protein change: p.Arg6Gln; replaces arginine 6 with glutamine.
Molecular consequence: missense variant.
Genome position (GRCh38, 1-based): chr7:37,850,283, G>A. VCF-style: chr7-37850283-G-A. GRCh37 (hg19) VCF-style: chr7-37889885-G-A.
Other names: short protein forms R6Q.
Identifiers: ClinVar variation 1780367 (VCV001780367.2), dbSNP rs199576209, ClinGen allele CA4222009.

ClinVar aggregate classification (germline): Uncertain significance (1 of 4 stars; one submission).

Conditions:
Primary ciliary dyskinesia. Also called: Ciliary dyskinesia. Identifiers: Orphanet 244, MedGen C0008780, MONDO:0016575, HP:0012265.

Allele frequency attached by ClinVar (database versions not stated): TOPMed 0.00003; gnomAD exomes 0.00011; gnomAD 0.00022; ExAC 0.00024.
gnomAD v4.1: 193 of 1,613,796 alleles (0.012%); highest among the groups gnomAD compares: African/African-American, 0.0027%; no homozygotes.

Submission:

Ambry Genetics
Classification: Uncertain significance for Primary ciliary dyskinesia. Last evaluated: 2017-01-13. Review status: criteria provided, single submitter. Criteria: Ambry Variant Classification Scheme 2023. Collection method: clinical testing. Allele origin: germline.
Comment: The p.R6Q variant (also known as c.17G>A), located in coding exon 1 of the NME8 gene, results from a G to A substitution at nucleotide position 17. The arginine at codon 6 is replaced by glutamine, an amino acid with highly similar properties. This amino acid position is not well conserved in available vertebrate species. In addition, this alteration is predicted to be tolerated by in silico analysis. Since supporting evidence is limited at this time, the clinical significance of this alteration remains unclear.